The following is an entry in ClinVar:

ClinVar aggregate classification (germline): Conflicting classifications of pathogenicity. Review status: criteria provided, conflicting classifications (1 of 4 stars). 3 submissions from 3 submitters: Uncertain significance (2); Likely benign (1). Last evaluated 2025-12-23.

Conditions:
Inborn genetic diseases. Identifiers: MedGen C0950123, MeSH D030342.
Fanconi anemia (FA). Also called: Fanconi's anemia. Identifiers: Orphanet 84, MedGen C0015625, MeSH D005199, MONDO:0019391.

Allele frequency attached by ClinVar (database versions not stated): gnomAD below 0.00001 and 0.00005; 1000 Genomes Project 0.00060; 1000 Genomes Project 30x 0.00078.
gnomAD v4.1: 237 of 1,608,374 alleles (0.015%); highest among the groups gnomAD compares: South Asian, 0.25%; 1 homozygote.

Submissions (3):

Labcorp Genetics (formerly Invitae), Labcorp
Classification: Likely benign for Fanconi anemia. Last evaluated: 2025-12-23. Review status: criteria provided, single submitter. Criteria: Invitae Variant Classification Sherloc (09022015). Collection method: clinical testing. Allele origin: germline.

GeneDx
Classification: Uncertain significance. Last evaluated: 2025-08-07. Review status: criteria provided, single submitter. Criteria: GeneDx Variant Classification Process June 2021. Collection method: clinical testing. Allele origin: germline. Affected: yes.
Comment: In silico analysis suggests that this missense variant does not alter protein structure/function; Has not been previously published as pathogenic or benign to our knowledge

Ambry Genetics
Classification: Uncertain significance for Inborn genetic diseases. Last evaluated: 2024-10-05. Review status: criteria provided, single submitter. Criteria: Ambry Variant Classification Scheme 2023. Collection method: clinical testing. Allele origin: germline.
Comment: The p.E1470D variant (also known as c.4410G>C), located in coding exon 17 of the FANCM gene, results from a G to C substitution at nucleotide position 4410. The glutamic acid at codon 1470 is replaced by aspartic acid, an amino acid with highly similar properties. This amino acid position is conserved. In addition, this alteration is predicted to be tolerated by in silico analysis. Based on the available evidence, the clinical significance of this variant remains unclear.

NM_020937.4(FANCM):c.4410G>C (p.Glu1470Asp)

Gene: FANCM (FA complementation group M; plus strand). Cytogenetic location: 14q21.2.
Variant type: single nucleotide variant.
Coding change: c.4410G>C on transcript NM_020937.4 (MANE Select); coding-DNA position 4410, G replaced by C.
Protein change: p.Glu1470Asp; replaces glutamic acid 1470 with aspartic acid.
Molecular consequence: missense variant.
Genome position (GRCh38, 1-based): chr14:45,183,797, G>C. VCF-style: chr14-45183797-G-C. GRCh37 (hg19) VCF-style: chr14-45653000-G-C.
Other names: c.4332G>C, p.Glu1444Asp (NM_001308133.2); short protein forms E1444D, E1470D.
Identifiers: ClinVar variation 702899 (VCV000702899.19), dbSNP rs534488351, ClinGen allele CA7169742.